The following is an entry in ClinVar:

NM_000834.5(GRIN2B):c.1654+1G>A

Gene: GRIN2B (glutamate ionotropic receptor NMDA type subunit 2B; minus strand). Cytogenetic location: 12p13.1.
Variant type: single nucleotide variant.
Coding change: c.1654+1G>A on transcript NM_000834.5 (MANE Select); the canonical splice donor site of the intron after coding-DNA position 1654, G replaced by A.
Molecular consequence: splice donor variant.
Genome position (GRCh38, 1-based): chr12:13,615,113, C>T on the plus strand (G>A on the coding strand, the complement: GRIN2B is on the minus strand). VCF-style: chr12-13615113-C-T. GRCh37 (hg19) VCF-style: chr12-13768047-C-T.
Other names: c.1654+1G>A (NM_001413992.1).
Identifiers: ClinVar variation 1878839 (VCV001878839.1), dbSNP rs2497597808, ClinGen allele CA384051665.
Genomic context (GRCh38, chr12:13,615,113, plus strand): 5'-TCCTTATTTCACTTCCCCATCCATACGTCCATTTCCTTCCACCAGCAAACCCATCATTTA[C>T]CTAAGAAGGCAGAAGGTGAGACAGTCCCATTGCTGCGTGACACCATGACACTGATGCCTG-3'

ClinVar aggregate classification (germline): Pathogenic (1 of 4 stars; one submission).

Submission:

GeneDx
Classification: Pathogenic. Last evaluated: 2022-07-15. Review status: criteria provided, single submitter. Criteria: GeneDx Variant Classification Process June 2021. Collection method: clinical testing. Allele origin: germline. Affected: yes.
Comment: Canonical splice site variant predicted to result in a null allele in a gene for which loss of function is a known mechanism of disease; Not observed at significant frequency in large population cohorts (gnomAD); Has not been previously published as pathogenic or benign to our knowledge